The following is an entry in ClinVar:

NM_001369.3(DNAH5):c.5561_5562delinsT (p.Lys1854fs)

Gene: DNAH5 (dynein axonemal heavy chain 5; minus strand). Cytogenetic location: 5p15.2.
Variant type: Indel.
Coding change: c.5561_5562delinsT on transcript NM_001369.3 (MANE Select); coding-DNA positions 5561 to 5562, AA replaced by T.
Protein change: p.Lys1854fs; shifts the reading frame from lysine 1854.
Molecular consequence: frameshift variant.
Genome position (GRCh38, 1-based): chr5:13,841,053-13,841,054, TT replaced by A on the plus strand (AA replaced by T on the coding strand, the reverse complement: DNAH5 is on the minus strand). VCF-style: chr5-13841053-TT-A. GRCh37 (hg19) VCF-style: chr5-13841162-TT-A.
Other names: short protein forms K1854fs.
Identifiers: ClinVar variation 5010770 (VCV005010770.1).
Genomic context (GRCh38, chr5:13,841,053, plus strand): 5'-GGTGACGTCTATCAATGTATTGAGTAGCTCCAGGAAAGCCTGATTAGTTTTCTGCATGAT[TT>A]TTTTATCAAACTTGGCATTTCTAAGGGCTTCTTCTGAATCCCGTGTCCATATCATCTGAA-3'

ClinVar aggregate classification (germline): Pathogenic (1 of 4 stars; one submission).

Conditions:
Primary ciliary dyskinesia 3. Identifiers: Orphanet 244, MedGen C1837618, MONDO:0012085, OMIM 608644.

Submission:

Myriad Genetics, Inc.
Classification: Pathogenic for Primary ciliary dyskinesia 3. Last evaluated: 2024-05-14. Review status: criteria provided, single submitter. Criteria: Myriad Autosomal Dominant, Autosomal Recessive and X-Linked Classification Criteria (2023). Collection method: clinical testing. Allele origin: unknown.
Comment: NM_001369.2(DNAH5):c.5561_5562delAAinsT(K1854Ifs*17) is expected to be pathogenic in the context of primary ciliary dyskinesia, DNAH5-related. This variant is predicted to lead to an abnormal or absent protein product due to the creation of a premature termination codon in DNAH5, a gene where loss-of-function variants are known to be pathogenic. Please note: this variant was assessed in the context of healthy population screening.